The following is an entry in ClinVar:

ClinVar aggregate classification (germline): Uncertain significance. Review status: criteria provided, multiple submitters, no conflicts (2 of 4 stars). 3 submissions from 3 submitters: Uncertain significance (3). Last evaluated 2024-02-17.

Conditions:
Transcobalamin II deficiency (TCN2D). Also called: Transcolabamin II deficiency; TC II DEFICIENCY; TCN2 DEFICIENCY. Identifiers: Orphanet 859, MedGen C0342701, MONDO:0010149, OMIM 275350.
Inborn genetic diseases. Identifiers: MedGen C0950123, MeSH D030342.

Allele frequency attached by ClinVar (database versions not stated): gnomAD 0.00001; gnomAD exomes 0.00001; TOPMed 0.00002.
gnomAD v4.1: 6 of 1,614,102 alleles (0.00037%); highest among the groups gnomAD compares: Admixed American, 0.0033%; no homozygotes.

Submissions (3):

Labcorp Genetics (formerly Invitae), Labcorp
Classification: Uncertain significance for Transcobalamin II deficiency. Last evaluated: 2024-02-17. Review status: criteria provided, single submitter. Criteria: Invitae Variant Classification Sherloc (09022015). Collection method: clinical testing. Allele origin: germline.
Comment: This sequence change replaces histidine, which is basic and polar, with tyrosine, which is neutral and polar, at codon 37 of the TCN2 protein (p.His37Tyr). This variant is present in population databases (no rsID available, gnomAD 0.007%). This variant has not been reported in the literature in individuals affected with TCN2-related conditions. ClinVar contains an entry for this variant (Variation ID: 643172). Advanced modeling of protein sequence and biophysical properties (such as structural, functional, and spatial information, amino acid conservation, physicochemical variation, residue mobility, and thermodynamic stability) performed at Invitae indicates that this missense variant is not expected to disrupt TCN2 protein function with a negative predictive value of 80%. In summary, the available evidence is currently insufficient to determine the role of this variant in disease. Therefore, it has been classified as a Variant of Uncertain Significance.

Baylor Genetics
Classification: Uncertain significance for Transcobalamin II deficiency. Last evaluated: 2022-10-22. Review status: criteria provided, single submitter. Criteria: ACMG Guidelines, 2015. Collection method: clinical testing. Allele origin: unknown.

Ambry Genetics
Classification: Uncertain significance for Inborn genetic diseases. Last evaluated: 2021-10-12. Review status: criteria provided, single submitter. Criteria: Ambry Variant Classification Scheme 2023. Collection method: clinical testing. Allele origin: germline.

NM_000355.4(TCN2):c.109C>T (p.His37Tyr)

Gene: TCN2 (transcobalamin 2; plus strand). Cytogenetic location: 22q12.2.
Variant type: single nucleotide variant.
Coding change: c.109C>T on transcript NM_000355.4 (MANE Select); coding-DNA position 109, C replaced by T.
Protein change: p.His37Tyr; replaces histidine 37 with tyrosine.
Molecular consequence: missense variant.
Genome position (GRCh38, 1-based): chr22:30,610,915, C>T. VCF-style: chr22-30610915-C-T. GRCh37 (hg19) VCF-style: chr22-31006902-C-T.
Other names: c.109C>T, p.His37Tyr (NM_001184726.2); short protein forms H37Y.
Identifiers: ClinVar variation 643172 (VCV000643172.10), dbSNP rs1326813642, ClinGen allele CA411205756.